The following is an entry in ClinVar:

NM_182914.3(SYNE2):c.12224AAG[1] (p.Glu4076del)

Gene: SYNE2 (spectrin repeat containing nuclear envelope protein 2; plus strand). Cytogenetic location: 14q23.2.
Variant type: Microsatellite.
Coding change: c.12224AAG[1] on transcript NM_182914.3 (MANE Select); one copy of the 3-base unit AAG starting at c.12224; the reference has two copies in a row; one copy, 3 bases deleted.
Protein change: p.Glu4076del; deletes glutamic acid 4076.
Molecular consequence: inframe deletion.
Genome position (GRCh38, 1-based): chr14:64,098,067-64,098,069, AAG deleted; deleting any 3 consecutive bases within chr14:64,098,064-64,098,069 gives the same sequence; the position shown is the placement nearest the transcript's 3' end. VCF-style (leftmost placement, unchanged base first): chr14-64098063-CAAG-C. GRCh37 (hg19) VCF-style: chr14-64564781-CAAG-C.
Other names: c.12224AAG[1], p.Glu4076del (NM_015180.6); short protein forms E4076del.
Identifiers: ClinVar variation 1421602 (VCV001421602.6), dbSNP rs748493867, ClinGen allele CA7222044.

ClinVar aggregate classification (germline): Uncertain significance (1 of 4 stars; one submission).

Conditions:
Emery-Dreifuss muscular dystrophy 5, autosomal dominant (EDMD5). Also called: EMERY-DREIFUSS MUSCULAR DYSTROPHY 5. Identifiers: Orphanet 261, MedGen C2751805, MONDO:0013072, OMIM 612999.

Submission:

Labcorp Genetics (formerly Invitae), Labcorp
Classification: Uncertain significance for Emery-Dreifuss muscular dystrophy 5, autosomal dominant. Last evaluated: 2021-11-06. Review status: criteria provided, single submitter. Criteria: Invitae Variant Classification Sherloc (09022015). Collection method: clinical testing. Allele origin: germline.
Comment: This variant has not been reported in the literature in individuals affected with SYNE2-related conditions. This variant is present in population databases (rs748493867, gnomAD 0.002%). This variant, c.12227_12229del, results in the deletion of 1 amino acid(s) of the SYNE2 protein (p.Glu4076del), but otherwise preserves the integrity of the reading frame. Experimental studies and prediction algorithms are not available or were not evaluated, and the functional significance of this variant is currently unknown. In summary, the available evidence is currently insufficient to determine the role of this variant in disease. Therefore, it has been classified as a Variant of Uncertain Significance.